The following is an entry in ClinVar:

ClinVar aggregate classification (germline): Likely benign. Review status: reviewed by expert panel (3 of 4 stars). 10 submissions from 10 submitters: Likely benign (1). 9 of the submissions do not count toward it. Last evaluated 2017-05-09.

Conditions:
MAP2K2-related disorder. Also called: MAP2K2-related condition.
Noonan syndrome and Noonan-related syndrome. Identifiers: Orphanet 98733, MedGen C5681679, MONDO:0020297.
Cardiovascular phenotype. Identifiers: MedGen CN230736.
RASopathy. Also called: rasopathies; Noonan spectrum disorder. Identifiers: Orphanet 536391, MedGen C5555857, MONDO:0021060.

Allele frequency attached by ClinVar (database versions not stated): gnomAD exomes 0.00021 and 0.00026; ESP Exome Variant Server 0.00031; gnomAD 0.00034 and 0.00038; TOPMed 0.00034; ExAC 0.00037; 1000 Genomes Project 30x 0.00047; 1000 Genomes Project 0.00060.
gnomAD v4.1: 428 of 1,559,242 alleles (0.027%); highest among the groups gnomAD compares: African/African-American, 0.067%; no homozygotes.

Submissions (10):

ClinGen RASopathy Variant Curation Expert Panel
Classification: Likely benign for Noonan syndrome and Noonan-related syndrome. Last evaluated: 2017-05-09. Review status: reviewed by expert panel. Criteria: ClinGen RASopathy ACMG Specifications v1. Collection method: curation. Allele origin: germline. Inheritance: Autosomal dominant inheritance.
Comment: The filtering allele frequency of the c.1140C>T (p.Ala380=) variant in the MAP2K2 gene is 0.003% (2/796) of East Asian chromosomes by the Exome Aggregation Consortium, which is a high enough frequency to be classified as likely benign based on thresholds defined by the ClinGen RASopathy Expert Panel (BS1; PMID:29493581)

Labcorp Genetics (formerly Invitae), Labcorp
Classification: Benign for RASopathy. Last evaluated: 2026-01-07. Review status: criteria provided, single submitter. Criteria: Invitae Variant Classification Sherloc (09022015). Collection method: clinical testing. Allele origin: germline. Not counted in ClinVar's aggregate classification.

Blueprint Genetics
Classification: Likely benign. Last evaluated: 2024-08-23. Review status: criteria provided, single submitter. Criteria: ACMG Guidelines, 2015. Collection method: clinical testing. Allele origin: germline. Not counted in ClinVar's aggregate classification.

Mayo Clinic Laboratories, Mayo Clinic
Classification: Benign. Last evaluated: 2022-06-30. Review status: criteria provided, single submitter. Criteria: ACMG Guidelines, 2015. Collection method: clinical testing. Allele origin: germline. Observed: 2 variant alleles. Not counted in ClinVar's aggregate classification.
Comment: BA1

Ambry Genetics
Classification: Benign for Cardiovascular phenotype. Last evaluated: 2020-07-28. Review status: criteria provided, single submitter. Criteria: Ambry Variant Classification Scheme 2023. Collection method: clinical testing. Allele origin: germline. Not counted in ClinVar's aggregate classification.

Genome Diagnostics Laboratory, The Hospital for Sick Children
Classification: Benign for Noonan syndrome and Noonan-related syndrome. Last evaluated: 2020-01-01. Review status: criteria provided, single submitter. Criteria: ACMG Guidelines, 2015. Collection method: clinical testing. Allele origin: germline. Not counted in ClinVar's aggregate classification.

Women's Health and Genetics/Laboratory Corporation of America, LabCorp
Classification: Benign. Last evaluated: 2019-03-18. Review status: criteria provided, single submitter. Criteria: LabCorp Variant Classification Summary - May 2015. Collection method: clinical testing. Allele origin: germline. Not counted in ClinVar's aggregate classification.
Comment: Variant summary: MAP2K2 c.1140C>T alters a non-conserved nucleotide resulting in a synonymous change. 5/5 computational tools predict no significant impact on normal splicing. However, these predictions have yet to be confirmed by functional studies. The variant allele was found at a frequency of 0.00023 in 192890 control chromosomes. The observed variant frequency is approximately 93 fold of the estimated maximal expected allele frequency for a pathogenic variant in MAP2K2 causing Noonan Syndrome and Related Conditions phenotype (2.5e-06), strongly suggesting that the variant is benign. To our knowledge, no occurrence of c.1140C>T in individuals affected with Noonan Syndrome and Related Conditions and no experimental evidence demonstrating its impact on protein function have been reported. One expert panel has submitted clinical-significance assessments for this variant to ClinVar after 2014 without evidence for independent evaluation and classified the variant as likely benign. Two other labs in ClinVar classified the variant as benign and likely benign respectively in 2014. Based on the evidence outlined above, the variant was classified as benign.

GeneDx
Classification: Benign. Last evaluated: 2014-08-26. Review status: criteria provided, single submitter. Criteria: GeneDx Variant Classification (06012015). Collection method: clinical testing. Allele origin: germline. Affected: yes. Not counted in ClinVar's aggregate classification.
Comment: This variant is considered likely benign or benign based on one or more of the following criteria: it is a conservative change, it occurs at a poorly conserved position in the protein, it is predicted to be benign by multiple in silico algorithms, and/or has population frequency not consistent with disease.

Laboratory for Molecular Medicine, Mass General Brigham Personalized Medicine
Classification: Likely benign. Last evaluated: 2012-10-18. Review status: criteria provided, single submitter. Criteria: LMM Criteria. Collection method: clinical testing. Allele origin: germline. Observed: 2 variant alleles. Not counted in ClinVar's aggregate classification.
Comment: Ala380Ala in exon 11 of MAP2K2: This variant is not expected to have clinical si gnificance because it does not alter an amino acid residue and is not located ne ar a splice junction. In addition, this variant was identified via high-throughp ut sequencing in controls (MAF<1%) and presumed to be benign (Kelleher 2012).

PreventionGenetics, part of Exact Sciences
Classification: Likely benign for MAP2K2-related condition. Last evaluated: 2019-10-23. Review status: no assertion criteria provided. Collection method: clinical testing. Allele origin: germline. Not counted in ClinVar's aggregate classification.
Comment: This variant is classified as likely benign based on ACMG/AMP sequence variant interpretation guidelines (Richards et al. 2015 PMID: 25741868, with internal and published modifications).

Literature cited by the submitters: PubMed 22558107 (cited by Laboratory for Molecular Medicine, Mass General Brigham Personalized Medicine).

NM_030662.4(MAP2K2):c.1140C>T (p.Ala380=)

Gene: MAP2K2 (mitogen-activated protein kinase kinase 2; minus strand). Cytogenetic location: 19p13.3.
Variant type: single nucleotide variant.
Coding change: c.1140C>T on transcript NM_030662.4 (MANE Select); coding-DNA position 1140, C replaced by T.
Protein change: p.Ala380=; no amino-acid change (alanine 380 retained).
Molecular consequence: synonymous variant.
Genome position (GRCh38, 1-based): chr19:4,090,661, G>A on the plus strand (C>T on the coding strand, the complement: MAP2K2 is on the minus strand). VCF-style: chr19-4090661-G-A. GRCh37 (hg19) VCF-style: chr19-4090659-G-A.
Other names: p.A380A:GCC>GCT; NM_030662.3(MAP2K2):c.1140C>T.
Identifiers: ClinVar variation 50938 (VCV000050938.26), dbSNP rs146618055, ClinGen allele CA143886.
Genomic context (GRCh38, chr19:4,090,661, plus strand): 5'-CACGGCGGTGCGCGTGGGTGTGCCGGGCTGGTTCAGCCGCAGGGTTTTACACAACCAGCC[G>A]GCAAAATCCACTTCTTCCACCTCGGACCGCTTGATGAAGGTGTGGTTCTGCAAGGAAAGG-3'
Protein context (NP_109587.1, residues 370-390): KRSEVEEVDF[Ala380=]GWLCKTLRLN